The following is an entry in ClinVar:

ClinVar aggregate classification (germline): Uncertain significance (1 of 4 stars; one submission).

gnomAD v4.1: 1 of 1,614,114 alleles (0.000062%); highest among the groups gnomAD compares: South Asian, 0.0011%; no homozygotes.

Submission:

Labcorp Genetics (formerly Invitae), Labcorp
Classification: Uncertain significance. Last evaluated: 2025-10-21. Review status: criteria provided, single submitter. Criteria: Invitae Variant Classification Sherloc (09022015). Collection method: clinical testing. Allele origin: germline.
Comment: This sequence change replaces glutamine, which is neutral and polar, with arginine, which is basic and polar, at codon 342 of the TUBA8 protein (p.Gln342Arg). This variant is present in population databases (rs757811997, gnomAD 0.003%). This variant has not been reported in the literature in individuals affected with TUBA8-related conditions. Invitae Evidence Modeling of protein sequence and biophysical properties (such as structural, functional, and spatial information, amino acid conservation, physicochemical variation, residue mobility, and thermodynamic stability) indicates that this missense variant is not expected to disrupt TUBA8 protein function with a negative predictive value of 80%. In summary, the available evidence is currently insufficient to determine the role of this variant in disease. Therefore, it has been classified as a Variant of Uncertain Significance.

NM_018943.3(TUBA8):c.1025A>G (p.Gln342Arg)

Gene: TUBA8 (tubulin alpha 8; plus strand). Cytogenetic location: 22q11.21.
Variant type: single nucleotide variant.
Coding change: c.1025A>G on transcript NM_018943.3 (MANE Select); coding-DNA position 1025, A replaced by G.
Protein change: p.Gln342Arg; replaces glutamine 342 with arginine.
Molecular consequence: missense variant.
Genome position (GRCh38, 1-based): chr22:18,127,003, A>G. VCF-style: chr22-18127003-A-G. GRCh37 (hg19) VCF-style: chr22-18609770-A-G.
Other names: c.827A>G, p.Gln276Arg (NM_001193414.2); short protein forms Q276R, Q342R.
Identifiers: ClinVar variation 4744328 (VCV004744328.1).